The following is an entry in ClinVar:

ClinVar aggregate classification (germline): Likely benign. Review status: criteria provided, multiple submitters, no conflicts (2 of 4 stars). 2 submissions from 2 submitters: Likely benign (2). Last evaluated 2024-12-19.

Conditions:
Neurofibromatosis, type 2 (SWNV). Also called: SCHWANNOMATOSIS, VESTIBULAR; BILATERAL ACOUSTIC NEUROFIBROMATOSIS; NF2-Related Schwannomatosis. Identifiers: Orphanet 637, MedGen C0027832, MONDO:0007039, OMIM 101000. Disease mechanism: loss of function.

Submissions (2):

Labcorp Genetics (formerly Invitae), Labcorp
Classification: Likely benign for Neurofibromatosis, type 2. Last evaluated: 2024-12-19. Review status: criteria provided, single submitter. Criteria: Invitae Variant Classification Sherloc (09022015). Collection method: clinical testing. Allele origin: germline.

All of Us Research Program, National Institutes of Health
Classification: Likely benign for Neurofibromatosis, type 2. Last evaluated: 2023-06-26. Review status: criteria provided, single submitter. Criteria: ACMG Guidelines, 2015. Collection method: clinical testing. Allele origin: germline. Inheritance: Autosomal dominant inheritance. Observed: 1 variant allele, 1 heterozygote.
Comment: This study involves interpretation of variants in research participants for the purpose of population health screening. Participant phenotype was not available at the time of variant classification. Additional details can be found in publication PMID: 35346344, PMCID: PMC8962531

NM_000268.4(NF2):c.1738-10T>C

Gene: NF2 (NF2, moesin-ezrin-radixin like (MERLIN) tumor suppressor; plus strand). Cytogenetic location: 22q12.2.
Variant type: single nucleotide variant.
Coding change: c.1738-10T>C on transcript NM_000268.4 (MANE Select); 10 bases into the intron before coding-DNA position 1738, T replaced by C.
Molecular consequence: intron variant.
Genome position (GRCh38, 1-based): chr22:29,694,742, T>C. VCF-style: chr22-29694742-T-C. GRCh37 (hg19) VCF-style: chr22-30090731-T-C.
Other names: c.*10-10T>C (NM_016418.5, NM_181829.3, NM_181828.3 and 1 more transcripts); c.*25-10T>C (NM_181832.3); c.448-10T>C (NM_181833.3).
Identifiers: ClinVar variation 1538534 (VCV001538534.9), dbSNP rs2147171593, ClinGen allele CA2573158079.